The following is an entry in ClinVar:

ClinVar aggregate classification (germline): Uncertain significance (1 of 4 stars; one submission).

Conditions:
Glycogen storage disease, type I. Identifiers: Orphanet 364, MedGen C0017920, MONDO:0002413.

Submission:

Myriad Genetics, Inc.
Classification: Uncertain significance for Glycogen storage disease, type I. Last evaluated: 2025-11-25. Review status: criteria provided, single submitter. Criteria: Myriad Autosomal Dominant, Autosomal Recessive and X-Linked Classification Criteria (2023). Collection method: clinical testing. Allele origin: unknown.
Comment: NM_001164277.1(SLC37A4):c.418A>G(I140V) is a missense variant classified as a variant of uncertain significance in the context of glycogen storage disease type Ib. I140V has not been observed in cases with relevant disease. Relevant functional assessments of this variant are not available in the literature. I140V has not been observed in referenced population frequency databases. In summary, there is insufficient evidence to classify NM_001164277.1(SLC37A4):c.418A>G(I140V) as pathogenic or benign. Please note: this variant was assessed in the context of healthy population screening.

NM_001164277.2(SLC37A4):c.418A>G (p.Ile140Val)

Gene: SLC37A4 (solute carrier family 37 member 4; minus strand). Cytogenetic location: 11q23.3.
Variant type: single nucleotide variant.
Coding change: c.418A>G on transcript NM_001164277.2 (MANE Select); coding-DNA position 418, A replaced by G.
Protein change: p.Ile140Val; replaces isoleucine 140 with valine.
Molecular consequence: missense variant.
Genome position (GRCh38, 1-based): chr11:119,027,836, T>C on the plus strand (A>G on the coding strand, the complement: SLC37A4 is on the minus strand). VCF-style: chr11-119027836-T-C. GRCh37 (hg19) VCF-style: chr11-118898546-T-C.
Other names: c.418A>G, p.Ile140Val (NM_001164278.2, NM_001164280.2, NM_001467.6); c.199A>G, p.Ile67Val (NM_001164279.2); short protein forms I140V, I67V.
Identifiers: ClinVar variation 5003859 (VCV005003859.1).